The following is an entry in ClinVar:

NM_020911.2(PLXNA4):c.3407T>G (p.Phe1136Cys)

Gene: PLXNA4 (plexin A4; minus strand). Cytogenetic location: 7q32.3.
Variant type: single nucleotide variant.
Coding change: c.3407T>G on transcript NM_020911.2 (MANE Select); coding-DNA position 3407, T replaced by G.
Protein change: p.Phe1136Cys; replaces phenylalanine 1136 with cysteine.
Molecular consequence: missense variant.
Genome position (GRCh38, 1-based): chr7:132,181,466, A>C on the plus strand (T>G on the coding strand, the complement: PLXNA4 is on the minus strand). VCF-style: chr7-132181466-A-C. GRCh37 (hg19) VCF-style: chr7-131866225-A-C.
Other names: c.3407T>G, p.Phe1136Cys (NM_001393897.1); short protein forms F1136C.
Identifiers: ClinVar variation 3346037 (VCV003346037.1).

ClinVar aggregate classification (germline): Uncertain significance (0 of 4 stars; one submission).

Conditions:
PLXNA4-related disorder. Also called: PLXNA4-related condition.

Submission:

PreventionGenetics, part of Exact Sciences
Classification: Uncertain significance for PLXNA4-related condition. Last evaluated: 2024-05-01. Review status: no assertion criteria provided. Collection method: clinical testing. Allele origin: germline.
Comment: The PLXNA4 c.3407T>G variant is predicted to result in the amino acid substitution p.Phe1136Cys. To our knowledge, this variant has not been reported in the literature or in a large population database, indicating this variant is rare. At this time, the clinical significance of this variant is uncertain due to the absence of conclusive functional and genetic evidence.